The following is an entry in ClinVar:

ClinVar aggregate classification (germline): Benign (1 of 4 stars; one submission).

Allele frequency attached by ClinVar (database versions not stated): 1000 Genomes Project 0.24940; 1000 Genomes Project 30x 0.25078; TOPMed 0.35716; gnomAD 0.38435 and 0.38897; gnomAD exomes 0.49050.

Submission:

GeneDx
Classification: Benign. Last evaluated: 2018-06-15. Review status: criteria provided, single submitter. Criteria: GeneDx Variant Classification (06012015). Collection method: clinical testing. Allele origin: germline. Affected: yes.
Comment: This variant is considered likely benign or benign based on one or more of the following criteria: it is a conservative change, it occurs at a poorly conserved position in the protein, it is predicted to be benign by multiple in silico algorithms, and/or has population frequency not consistent with disease.

NM_001005242.3(PKP2):c.2357+73del

Gene: PKP2 (plakophilin 2; minus strand). Cytogenetic location: 12p11.21.
Variant type: Deletion.
Coding change: c.2357+73del on transcript NM_001005242.3 (MANE Select); 73 bases into the intron after coding-DNA position 2357, one base deleted (T; older notation c.2357+73delT).
Molecular consequence: intron variant.
Genome position (GRCh38, 1-based): chr12:32,796,036, A deleted on the plus strand (T on the coding strand, the reverse complement: PKP2 is on the minus strand). VCF-style (leftmost placement, unchanged base first): chr12-32796035-CA-C. GRCh37 (hg19) VCF-style: chr12-32948969-CA-C.
Other names: c.2489+73del (NM_004572.4); c.2489+73delT (NM_004572.3).
Identifiers: ClinVar variation 674371 (VCV000674371.1), dbSNP rs71447623, ClinGen allele CA235217797.